The following is an entry in ClinVar:

NM_015656.2(KIF26A):c.3082G>A (p.Gly1028Ser)

Gene: KIF26A (kinesin family member 26A; plus strand). Cytogenetic location: 14q32.33.
Variant type: single nucleotide variant.
Coding change: c.3082G>A on transcript NM_015656.2 (MANE Select); coding-DNA position 3082, G replaced by A.
Protein change: p.Gly1028Ser; replaces glycine 1028 with serine.
Molecular consequence: missense variant.
Genome position (GRCh38, 1-based): chr14:104,175,870, G>A. VCF-style: chr14-104175870-G-A. GRCh37 (hg19) VCF-style: chr14-104642207-G-A.
Other names: short protein forms G1028S.
Identifiers: ClinVar variation 3893640 (VCV003893640.1).

ClinVar aggregate classification (germline): Uncertain significance (1 of 4 stars; one submission).

gnomAD v4.1: 11 of 1,539,886 alleles (0.00071%); highest among the groups gnomAD compares: East Asian, 0.0024%; no homozygotes.

Submission:

GeneDx
Classification: Uncertain significance. Last evaluated: 2024-10-28. Review status: criteria provided, single submitter. Criteria: GeneDx Variant Classification Process June 2021. Collection method: clinical testing. Allele origin: germline. Affected: yes.
Comment: Not observed at significant frequency in large population cohorts (gnomAD); In silico analysis supports that this missense variant has a deleterious effect on protein structure/function; Has not been previously published as pathogenic or benign to our knowledge